The following is an entry in ClinVar:

NM_001374385.1(ATP8B1):c.698+1G>T

Gene: ATP8B1 (ATPase phospholipid transporting 8B1; minus strand). Cytogenetic location: 18q21.31.
Variant type: single nucleotide variant.
Coding change: c.698+1G>T on transcript NM_001374385.1 (MANE Select); the canonical splice donor site of the intron after coding-DNA position 698, G replaced by T.
Molecular consequence: splice donor variant.
Genome position (GRCh38, 1-based): chr18:57,697,617, C>A on the plus strand (G>T on the coding strand, the complement: ATP8B1 is on the minus strand). VCF-style: chr18-57697617-C-A. GRCh37 (hg19) VCF-style: chr18-55364849-C-A.
Other names: c.698+1G>T (NM_005603.6); c.548+1G>T (NM_001374386.1).
Identifiers: ClinVar variation 3065818 (VCV003065818.2), dbSNP rs2511778163, ClinGen allele CA402544566.

ClinVar aggregate classification (germline): Pathogenic/Likely pathogenic. Review status: criteria provided, multiple submitters, no conflicts (2 of 4 stars). 2 submissions from 2 submitters: Pathogenic (1); Likely pathogenic (1). Last evaluated 2026-04-14.

Conditions:
Cholestasis, intrahepatic, of pregnancy, 1 (ICP1). Also called: CHOLESTASIS, PREGNANCY-RELATED, 1. Identifiers: Orphanet 69665, MedGen C3549845, MONDO:0007829, OMIM 147480.
Familial intrahepatic cholestasis. Identifiers: Orphanet 284385, MedGen CN296401, MONDO:0017290.

Submissions (2):

Genomenon, Inc
Classification: Pathogenic for Familial intrahepatic cholestasis. Last evaluated: 2026-04-14. Review status: criteria provided, single submitter. Criteria: Genomenon Sequence Variant Interpretation Standards - Updated. Collection method: curation. Allele origin: germline. Affected: yes.
Comment: ATP8B1 c.698+1G>T is a canonical splice variant affecting the donor splice site of intron 8. This variant has been observed in at least one proband with features of ATP8B1-deficiency (PMID:33915153;15239083). At least one splicing study demonstrated this variant results in aberrant splicing (PMID:25421123). It is absent or not present at a significant frequency in gnomAD. In conclusion, we classify ATP8B1 c.698+1G>T as a pathogenic variant.

Genomic Medicine Center of Excellence, King Faisal Specialist Hospital and Research Centre
Classification: Likely pathogenic for Cholestasis, intrahepatic, of pregnancy, 1. Last evaluated: 2024-03-29. Review status: criteria provided, single submitter. Criteria: ACMG Guidelines, 2015. Collection method: clinical testing. Allele origin: germline.

Literature cited by the submitters: PubMed 33915153 (cited by Genomenon, Inc); PubMed 15239083 (cited by Genomenon, Inc); PubMed 25421123 (cited by Genomenon, Inc).